The following is an entry in ClinVar:

NM_001080.3(ALDH5A1):c.320A>G (p.Glu107Gly)

Genes: ALDH5A1 (aldehyde dehydrogenase 5 family member A1; plus strand), LOC129995978 (ATAC-STARR-seq lymphoblastoid silent region 16989; plus strand). Cytogenetic location: 6p22.3.
Variant type: single nucleotide variant.
Coding change: c.320A>G on transcript NM_001080.3 (MANE Select); coding-DNA position 320, A replaced by G.
Protein change: p.Glu107Gly; replaces glutamic acid 107 with glycine.
Molecular consequence: missense variant.
Genome position (GRCh38, 1-based): chr6:24,495,316, A>G. VCF-style: chr6-24495316-A-G. GRCh37 (hg19) VCF-style: chr6-24495544-A-G.
Other names: c.320A>G, p.Glu107Gly (NM_001368954.1, NM_170740.1); short protein forms E107G.
Identifiers: ClinVar variation 2160454 (VCV002160454.4), dbSNP rs1270917949, ClinGen allele CA362968673.

ClinVar aggregate classification (germline): Uncertain significance (1 of 4 stars; one submission).

Conditions:
Succinate-semialdehyde dehydrogenase deficiency (SSADHD). Also called: 4-HYDROXYBUTYRIC ACIDURIA; GABA METABOLIC DEFECT; SSADH DEFICIENCY; Succinic Semialdehyde Dehydrogenase Deficiency. Identifiers: Orphanet 22, MedGen C0268631, MONDO:0010083, OMIM 271980.

gnomAD v4.1: 7 of 1,533,094 alleles (0.00046%); highest among the groups gnomAD compares: Non-Finnish European, 0.00061%; no homozygotes.

Submission:

Labcorp Genetics (formerly Invitae), Labcorp
Classification: Uncertain significance for Succinate-semialdehyde dehydrogenase deficiency. Last evaluated: 2022-08-06. Review status: criteria provided, single submitter. Criteria: Invitae Variant Classification Sherloc (09022015). Collection method: clinical testing. Allele origin: germline.
Comment: This sequence change replaces glutamic acid, which is acidic and polar, with glycine, which is neutral and non-polar, at codon 107 of the ALDH5A1 protein (p.Glu107Gly). This variant is present in population databases (no rsID available, gnomAD 0.01%). This variant has not been reported in the literature in individuals affected with ALDH5A1-related conditions. Advanced modeling of protein sequence and biophysical properties (such as structural, functional, and spatial information, amino acid conservation, physicochemical variation, residue mobility, and thermodynamic stability) performed at Invitae indicates that this missense variant is not expected to disrupt ALDH5A1 protein function. In summary, the available evidence is currently insufficient to determine the role of this variant in disease. Therefore, it has been classified as a Variant of Uncertain Significance.